The following is an entry in ClinVar:

NM_000264.5(PTCH1):c.2199A>C (p.Ser733=)

Genes: PTCH1 (patched 1; minus strand), LOC100507346 (uncharacterized LOC100507346; plus strand). Cytogenetic location: 9q22.32.
Variant type: single nucleotide variant.
Coding change: c.2199A>C on transcript NM_000264.5 (MANE Select); coding-DNA position 2199, A replaced by C.
Protein change: p.Ser733=; no amino-acid change (serine 733 retained).
Molecular consequence: synonymous variant. On other transcripts: non-coding transcript variant (2).
Genome position (GRCh38, 1-based): chr9:95,468,802, T>G on the plus strand (A>C on the coding strand, the complement: PTCH1 is on the minus strand). VCF-style: chr9-95468802-T-G. GRCh37 (hg19) VCF-style: chr9-98231084-T-G.
Other names: c.2001A>C, p.Ser667= (NM_001083602.3); c.2196A>C, p.Ser732= (NM_001083603.3); c.1746A>C, p.Ser582= (NM_001083604.3, NM_001083605.3, NM_001083606.3 and 1 more transcripts); c.2043A>C, p.Ser681= (NM_001354918.2).
Identifiers: ClinVar variation 4085014 (VCV004085014.8).

ClinVar aggregate classification (germline): Likely benign (1 of 4 stars; one submission).

Submission:

CeGaT Center for Human Genetics Tuebingen
Classification: Likely benign. Last evaluated: 2025-08-01. Review status: criteria provided, single submitter. Criteria: CeGaT Center For Human Genetics Tuebingen Variant Classification Criteria Version 2. Collection method: clinical testing. Allele origin: germline. Affected: yes. Observed: 1 variant allele.
Comment: PTCH1: PM2:Supporting, BP4, BP7